The following is an entry in ClinVar:

ClinVar aggregate classification (germline): Likely benign. Review status: criteria provided, multiple submitters, no conflicts (2 of 4 stars). 2 submissions from 2 submitters: Likely benign (2). Last evaluated 2025-11-11.

Allele frequency attached by ClinVar (database versions not stated): gnomAD exomes 0.00005; gnomAD 0.00007; ExAC 0.00009; TOPMed 0.00010.
gnomAD v4.1: 95 of 1,614,042 alleles (0.0059%); highest among the groups gnomAD compares: Admixed American, 0.017%; no homozygotes.

Submissions (2):

Labcorp Genetics (formerly Invitae), Labcorp
Classification: Likely benign. Last evaluated: 2025-11-11. Review status: criteria provided, single submitter. Criteria: Invitae Variant Classification Sherloc (09022015). Collection method: clinical testing. Allele origin: germline.

CeGaT Center for Human Genetics Tuebingen
Classification: Likely benign. Last evaluated: 2023-06-01. Review status: criteria provided, single submitter. Criteria: CeGaT Center For Human Genetics Tuebingen Variant Classification Criteria Version 2. Collection method: clinical testing. Allele origin: germline. Affected: yes. Observed: 1 variant allele.
Comment: SON: BP4, BS2

NM_138927.4(SON):c.839A>C (p.Glu280Ala)

Gene: SON (SON DNA and RNA binding protein; plus strand). Cytogenetic location: 21q22.11.
Variant type: single nucleotide variant.
Coding change: c.839A>C on transcript NM_138927.4 (MANE Select); coding-DNA position 839, A replaced by C.
Protein change: p.Glu280Ala; replaces glutamic acid 280 with alanine.
Molecular consequence: missense variant. On other transcripts: non-coding transcript variant (1), intron variant (1).
Genome position (GRCh38, 1-based): chr21:33,550,070, A>C. VCF-style: chr21-33550070-A-C. GRCh37 (hg19) VCF-style: chr21-34922376-A-C.
Other names: c.839A>C, p.Glu280Ala (NM_001291411.2, NM_001412133.1, NM_032195.3 and 2 more transcripts); c.244+3691A>C (NM_001291412.3); short protein forms E280A.
Identifiers: ClinVar variation 2181176 (VCV002181176.31), dbSNP rs751782290, ClinGen allele CA10008760.
Genomic context (GRCh38, chr21:33,550,070, plus strand): 5'-CTGAGCCAGTTGTAACAATGTCAGTGGAGTATCAGATGAAGTCTGTGCTGAAATCTGTGG[A>C]GAGCACATCTCCAGAGCCATCAAAGATCATGTTGGTAGAGCCCCCAGTAGCAAAAGTGTT-3'
Protein context (NP_620305.3, residues 270-290): YQMKSVLKSV[Glu280Ala]STSPEPSKIM